The following is an entry in ClinVar:

ClinVar aggregate classification (germline): Likely benign (1 of 4 stars; one submission).

Submission:

CeGaT Center for Human Genetics Tuebingen
Classification: Likely benign. Last evaluated: 2026-09-01. Review status: criteria provided, single submitter. Criteria: CeGaT Center For Human Genetics Tuebingen Variant Classification Criteria Version 2. Collection method: clinical testing. Allele origin: germline. Affected: yes. Observed: 1 variant allele.
Comment: GGT1: PM2:Supporting, BP4, BP7

NM_001288833.2(GGT1):c.1140C>T (p.Gly380=)

Gene: GGT1 (gamma-glutamyltransferase 1; plus strand). Cytogenetic location: 22q11.23.
Variant type: single nucleotide variant.
Coding change: c.1140C>T on transcript NM_001288833.2 (MANE Select); coding-DNA position 1140, C replaced by T.
Protein change: p.Gly380=; no amino-acid change (glycine 380 retained).
Molecular consequence: synonymous variant.
Genome position (GRCh38, 1-based): chr22:24,627,551, C>T. VCF-style: chr22-24627551-C-T. GRCh37 (hg19) VCF-style: chr22-25023518-C-T.
Other names: c.1140C>T, p.Gly380= (NM_013421.3, NM_013430.3).
Identifiers: ClinVar variation 5041784 (VCV005041784.1).